The following is an entry in ClinVar:

ClinVar aggregate classification (germline): Uncertain significance (1 of 4 stars; one submission).

Conditions:
Hereditary spastic paraplegia 30. Identifiers: Orphanet 101010, MedGen C5235139, MONDO:0012476.
Neuropathy, hereditary sensory, type 2C. Also called: Hereditary sensory and autonomic neuropathy type IIC; KIF1A-Related HSAN2 (HSAN2C). Identifiers: Orphanet 970, MedGen C3280168, MONDO:0013634, OMIM 614213.
Intellectual disability, autosomal dominant 9 (NESCAVS). Also called: NESCAV SYNDROME; KIF1A-Related Neurodevelopmental Disorder. Identifiers: Orphanet 662367, MedGen C5393830, MONDO:0013656, OMIM 614255.

Allele frequency attached by ClinVar (database versions not stated): gnomAD exomes below 0.00001; TOPMed below 0.00001.
gnomAD v4.1: 5 of 1,613,306 alleles (0.00031%); highest among the groups gnomAD compares: East Asian, 0.0022%; no homozygotes.

Submission:

Labcorp Genetics (formerly Invitae), Labcorp
Classification: Uncertain significance for Hereditary spastic paraplegia 30; Neuropathy, hereditary sensory, type 2C; Intellectual disability, autosomal dominant 9. Last evaluated: 2025-06-16. Review status: criteria provided, single submitter. Criteria: Invitae Variant Classification Sherloc (09022015). Collection method: clinical testing. Allele origin: germline.
Comment: This sequence change replaces asparagine, which is neutral and polar, with serine, which is neutral and polar, at codon 396 of the KIF1A protein (p.Asn396Ser). This variant is not present in population databases (gnomAD no frequency). This variant has not been reported in the literature in individuals affected with KIF1A-related conditions. ClinVar contains an entry for this variant (Variation ID: 1722286). Invitae Evidence Modeling of protein sequence and biophysical properties (such as structural, functional, and spatial information, amino acid conservation, physicochemical variation, residue mobility, and thermodynamic stability) indicates that this missense variant is expected to disrupt KIF1A protein function with a positive predictive value of 95%. In summary, the available evidence is currently insufficient to determine the role of this variant in disease. Therefore, it has been classified as a Variant of Uncertain Significance.

NM_001244008.2(KIF1A):c.1214A>G (p.Asn405Ser)

Gene: KIF1A (kinesin family member 1A; minus strand). Cytogenetic location: 2q37.3.
Variant type: single nucleotide variant.
Coding change: c.1214A>G on transcript NM_001244008.2 (MANE Select); coding-DNA position 1214, A replaced by G.
Protein change: p.Asn405Ser; replaces asparagine 405 with serine.
Molecular consequence: missense variant.
Genome position (GRCh38, 1-based): chr2:240,771,098, T>C on the plus strand (A>G on the coding strand, the complement: KIF1A is on the minus strand). VCF-style: chr2-240771098-T-C. GRCh37 (hg19) VCF-style: chr2-241710515-T-C.
Other names: c.1214A>G, p.Asn405Ser (NM_001320705.2, NM_001330289.2, NM_001379638.1); c.1289A>G, p.Asn430Ser (NM_001330290.2, NM_001379631.1, NM_001379634.1 and 2 more transcripts); c.1187A>G, p.Asn396Ser (NM_001379632.1, NM_001379633.1, NM_001379636.1 and 11 more transcripts); c.1262A>G, p.Asn421Ser (NM_001379637.1, NM_001379648.1); short protein forms N396S, N405S, N421S, N430S.
Identifiers: ClinVar variation 1722286 (VCV001722286.6), dbSNP rs1482343224, ClinGen allele CA351330657.